The following is an entry in ClinVar:

NM_000642.3(AGL):c.1083-2A>C

Gene: AGL (amylo-alpha-1,6-glucosidase and 4-alpha-glucanotransferase; plus strand). Cytogenetic location: 1p21.2.
Variant type: single nucleotide variant.
Coding change: c.1083-2A>C on transcript NM_000642.3 (MANE Select); the canonical splice acceptor site of the intron before coding-DNA position 1083, A replaced by C.
Molecular consequence: splice acceptor variant. On other transcripts: intron variant (1).
Genome position (GRCh38, 1-based): chr1:99,875,152, A>C. VCF-style: chr1-99875152-A-C. GRCh37 (hg19) VCF-style: chr1-100340708-A-C.
Other names: c.1083-2A>C (NM_000643.3, NM_000644.3, NM_001425326.1 and 2 more transcripts); c.1035-2A>C (NM_000646.3); c.1082+342A>C (NM_001425327.1); c.879-2A>C (NM_001425328.1, NM_001425329.1); c.705-2A>C (NM_001425332.1).
Identifiers: ClinVar variation 4797301 (VCV004797301.1).

ClinVar aggregate classification (germline): Likely pathogenic (1 of 4 stars; one submission).

Conditions:
Glycogen storage disease type III (GSD3). Also called: Cori disease; FORBES DISEASE. Identifiers: Orphanet 366, MedGen C0017922, MONDO:0009291, OMIM 232400.

Submission:

Labcorp Genetics (formerly Invitae), Labcorp
Classification: Likely pathogenic for Glycogen storage disease type III. Last evaluated: 2026-01-04. Review status: criteria provided, single submitter. Criteria: Invitae Variant Classification Sherloc (09022015). Collection method: clinical testing. Allele origin: germline.
Comment: This sequence change affects an acceptor splice site in intron 8 of the AGL gene. It is expected to disrupt RNA splicing. Variants that disrupt the donor or acceptor splice site typically lead to a loss of protein function (PMID: 16199547), and loss-of-function variants in AGL are known to be pathogenic (PMID: 19299494). This variant is not present in population databases (gnomAD no frequency). Disruption of this splice site has been observed in individual(s) with glycogen storage disease (PMID: 31319225). Algorithms developed to predict the effect of sequence changes on RNA splicing suggest that this variant may disrupt the consensus splice site. In summary, the currently available evidence indicates that the variant is pathogenic, but additional data are needed to prove that conclusively. Therefore, this variant has been classified as Likely Pathogenic.

Literature cited by the submitters: PubMed 16199547; PubMed 19299494; PubMed 31319225.